The following is an entry in ClinVar:

ClinVar aggregate classification (germline): Benign/Likely benign. Review status: criteria provided, multiple submitters, no conflicts (2 of 4 stars). 3 submissions from 3 submitters: Benign (1); Likely benign (2). Last evaluated 2025-10-13.

Conditions:
Hereditary cancer-predisposing syndrome. Also called: Neoplastic Syndromes, Hereditary; Tumor predisposition; Hereditary Cancer Syndrome; Hereditary neoplastic syndrome. Identifiers: Orphanet 140162, MedGen C0027672, MeSH D009386, MONDO:0015356.
Oligodontia-cancer predisposition syndrome. Also called: TOOTH AGENESIS-COLORECTAL CANCER SYNDROME. Identifiers: Orphanet 300576, MedGen C1837750, MONDO:0012075, OMIM 608615. Disease mechanism: loss of function.

gnomAD v4.1: 2 of 1,605,540 alleles (0.00012%); highest among the groups gnomAD compares: Non-Finnish European, 0.00017%; no homozygotes.

Submissions (3):

Labcorp Genetics (formerly Invitae), Labcorp
Classification: Likely benign for Oligodontia-cancer predisposition syndrome. Last evaluated: 2025-10-13. Review status: criteria provided, single submitter. Criteria: Invitae Variant Classification Sherloc (09022015). Collection method: clinical testing. Allele origin: germline.

Myriad Genetics, Inc.
Classification: Benign for Oligodontia-cancer predisposition syndrome. Last evaluated: 2024-06-27. Review status: criteria provided, single submitter. Criteria: Myriad Autosomal Dominant, Autosomal Recessive and X-Linked Classification Criteria (2023). Collection method: clinical testing. Allele origin: unknown.
Comment: This variant is considered benign. This variant is a silent/synonymous amino acid change and it is not expected to impact splicing.

Ambry Genetics
Classification: Likely benign for Hereditary cancer-predisposing syndrome. Last evaluated: 2020-10-15. Review status: criteria provided, single submitter. Criteria: Ambry Variant Classification Scheme 2023. Collection method: clinical testing. Allele origin: germline.

NM_004655.4(AXIN2):c.855A>C (p.Ile285=)

Gene: AXIN2 (axin 2; minus strand). Cytogenetic location: 17q24.1.
Variant type: single nucleotide variant.
Coding change: c.855A>C on transcript NM_004655.4 (MANE Select); coding-DNA position 855, A replaced by C.
Protein change: p.Ile285=; no amino-acid change (isoleucine 285 retained).
Molecular consequence: synonymous variant.
Genome position (GRCh38, 1-based): chr17:65,549,621, T>G on the plus strand (A>C on the coding strand, the complement: AXIN2 is on the minus strand). VCF-style: chr17-65549621-T-G. GRCh37 (hg19) VCF-style: chr17-63545739-T-G.
Other names: c.855A>C, p.Ile285= (NM_001363813.1).
Identifiers: ClinVar variation 1763840 (VCV001763840.5), dbSNP rs779294675, ClinGen allele CA501476728.